The following is an entry in ClinVar:

NM_001378609.3(OTOGL):c.3160A>G (p.Ile1054Val)

Gene: OTOGL (otogelin like; plus strand). Cytogenetic location: 12q21.31.
Variant type: single nucleotide variant.
Coding change: c.3160A>G on transcript NM_001378609.3 (MANE Select); coding-DNA position 3160, A replaced by G.
Protein change: p.Ile1054Val; replaces isoleucine 1054 with valine.
Molecular consequence: missense variant.
Genome position (GRCh38, 1-based): chr12:80,302,730, A>G. VCF-style: chr12-80302730-A-G. GRCh37 (hg19) VCF-style: chr12-80696510-A-G.
Other names: c.3025A>G, p.Ile1009Val (NM_001368062.3); c.3160A>G, p.Ile1054Val (NM_001378610.3, NM_173591.7); short protein forms I1009V, I1054V.
Identifiers: ClinVar variation 2570837 (VCV002570837.27), dbSNP rs564833395, ClinGen allele CA6700975.

ClinVar aggregate classification (germline): Uncertain significance (1 of 4 stars; one submission).

Allele frequency attached by ClinVar (database versions not stated): gnomAD 0.00001; ExAC 0.00003; 1000 Genomes Project 0.00020; 1000 Genomes Project 30x 0.00031.
gnomAD v4.1: 2 of 1,542,460 alleles (0.00013%); highest among the groups gnomAD compares: African/African-American, 0.0014%; no homozygotes.

Submission:

CeGaT Center for Human Genetics Tuebingen
Classification: Uncertain significance. Last evaluated: 2023-05-01. Review status: criteria provided, single submitter. Criteria: CeGaT Center For Human Genetics Tuebingen Variant Classification Criteria Version 2. Collection method: clinical testing. Allele origin: germline. Affected: yes. Observed: 1 variant allele.
Comment: OTOGL: PM2, BP4